The following is an entry in ClinVar:

NM_006852.6(TLK2):c.2170C>T (p.Arg724Ter)

Gene: TLK2 (tousled like kinase 2; plus strand). Cytogenetic location: 17q23.2.
Variant type: single nucleotide variant.
Coding change: c.2170C>T on transcript NM_006852.6 (MANE Select); coding-DNA position 2170, C replaced by T.
Protein change: p.Arg724Ter; replaces arginine 724 with a stop codon.
Molecular consequence: nonsense.
Genome position (GRCh38, 1-based): chr17:62,612,482, C>T. VCF-style: chr17-62612482-C-T. GRCh37 (hg19) VCF-style: chr17-60689843-C-T.
Other names: c.2170C>T (NM_006852.3); c.2236C>T, p.Arg746Ter (NM_001284333.3); c.2074C>T, p.Arg692Ter (NM_001284363.1, NM_001375272.1); c.1723C>T, p.Arg575Ter (NM_001330418.3, NM_001375273.1); c.2212C>T, p.Arg738Ter (NM_001375269.1); c.2170C>T, p.Arg724Ter (NM_001375270.1, NM_001375271.1); short protein forms R575*, R692*, R724*, R746*, R738*.
Identifiers: ClinVar variation 617922 (VCV000617922.3), dbSNP rs1568028078, ClinGen allele CA400516375.

ClinVar aggregate classification (germline): Conflicting classifications of pathogenicity. Review status: criteria provided, conflicting classifications (1 of 4 stars). 2 submissions from 2 submitters: Pathogenic (1); Uncertain significance (1). Last evaluated 2025-03-28.

Conditions:
Intellectual developmental disorder, autosomal dominant 57. Also called: MENTAL RETARDATION, AUTOSOMAL DOMINANT 57; Intellectual disability, autosomal dominant 57. Identifiers: MedGen C4748003, MONDO:0054837, OMIM 618050.

Submissions (2):

GeneDx
Classification: Pathogenic. Last evaluated: 2025-03-28. Review status: criteria provided, single submitter. Criteria: GeneDx Variant Classification Process June 2021. Collection method: clinical testing. Allele origin: germline.
Comment: Nonsense variant predicted to result in protein truncation as the last 27 amino acids are lost, although loss-of-function variants have not been reported downstream of this position in the protein; Not observed at significant frequency in large population cohorts (gnomAD); This variant is associated with the following publications: (PMID: 29861108)

SIB Swiss Institute of Bioinformatics
Classification: Uncertain significance for Intellectual developmental disorder, autosomal dominant 57. Last evaluated: 2018-10-15. Review status: criteria provided, single submitter. Criteria: ACMG Guidelines, 2015. Collection method: curation. Allele origin: germline.
Comment: This variant is interpreted as Uncertain Significance - Insufficient Evidence, for Mental retardation, autosomal dominant 57. The following ACMG Tag(s) were applied: PM2 => Absent from controls (or at extremely low frequency if recessive) in Exome Sequencing Project, 1000 Genomes Project, or Exome Aggregation Consortium. PM6 => Assumed de novo, but without confirmation of paternity and maternity (PubMed 29861108).

Literature cited by the submitters: PubMed 29861108 (cited by SIB Swiss Institute of Bioinformatics).